The following is an entry in ClinVar:

NM_213655.5(WNK1):c.3515A>G (p.His1172Arg)

Gene: WNK1 (WNK lysine deficient protein kinase 1; plus strand). Cytogenetic location: 12p13.33.
Variant type: single nucleotide variant.
Coding change: c.3515A>G on transcript NM_213655.5 (MANE Plus Clinical); coding-DNA position 3515, A replaced by G.
Protein change: p.His1172Arg; replaces histidine 1172 with arginine.
Molecular consequence: missense variant. On other transcripts: intron variant (2).
Genome position (GRCh38, 1-based): chr12:868,986, A>G. VCF-style: chr12-868986-A-G. GRCh37 (hg19) VCF-style: chr12-978152-A-G.
Other names: c.3260A>G, p.His1087Arg (NM_001184985.2); c.2140-2279A>G (NM_018979.4, NM_014823.3); short protein forms H1172R, H1087R.
Identifiers: ClinVar variation 424304 (VCV000424304.2), dbSNP rs1064796902, ClinGen allele CA16619595.
Genomic context (GRCh38, chr12:868,986, plus strand): 5'-CTCCCCCTACAGGGGGAGCAGCTGCACCTTTTGGCTCTGACGTCTCAATGCCCTTTATCC[A>G]TCTGCCTCAGACAGTGTTACAAGAATCCCCACTTTTCTTCTGTTTCCCCCAAGGAACCAC-3'
Protein context (NP_998820.3, residues 1162-1182): FGSDVSMPFI[His1172Arg]LPQTVLQESP

ClinVar aggregate classification (germline): Uncertain significance (1 of 4 stars; one submission).

Allele frequency attached by ClinVar (database versions not stated): gnomAD exomes below 0.00001 and 0.00001.

Submission:

GeneDx
Classification: Uncertain significance. Last evaluated: 2017-03-20. Review status: criteria provided, single submitter. Criteria: GeneDx Variant Classification (06012015). Collection method: clinical testing. Allele origin: germline. Affected: yes.
Comment: A variant of uncertain significance has been identified in the WNK1 gene. The H1172R variant has not been published as a pathogenic variant, nor has it been reported as a benign variant to our knowledge. The H1172R variant is not observed in large population cohorts (Lek et al., 2016; 1000 Genomes Consortium et al., 2015; Exome Variant Server). The H1172R variant is a conservative amino acid substitution, which is not likely to impact secondary protein structure as these residues share similar properties. This substitution occurs at a position that is not conserved. In silico analysis is inconsistent in its predictions as to whether or not the variant is damaging to the protein structure/function. Based on the currently available information, it is unclear whether this variant is a pathogenic variant or a rare benign variant.